The following is an entry in ClinVar:

ClinVar aggregate classification (germline): Uncertain significance (1 of 4 stars; one submission).

Allele frequency attached by ClinVar (database versions not stated): TOPMed below 0.00001.

Submission:

Labcorp Genetics (formerly Invitae), Labcorp
Classification: Uncertain significance. Last evaluated: 2022-12-29. Review status: criteria provided, single submitter. Criteria: Invitae Variant Classification Sherloc (09022015). Collection method: clinical testing. Allele origin: germline.
Comment: In summary, the available evidence is currently insufficient to determine the role of this variant in disease. Therefore, it has been classified as a Variant of Uncertain Significance. Algorithms developed to predict the effect of missense changes on protein structure and function output the following: SIFT: "Tolerated"; PolyPhen-2: "Benign"; Align-GVGD: "Class C0". The valine amino acid residue is found in multiple mammalian species, which suggests that this missense change does not adversely affect protein function. This variant has not been reported in the literature in individuals affected with MKL1-related conditions. This variant is not present in population databases (gnomAD no frequency). This sequence change replaces isoleucine, which is neutral and non-polar, with valine, which is neutral and non-polar, at codon 609 of the MKL1 protein (p.Ile609Val).

NM_020831.6(MRTFA):c.2125A>G (p.Ile709Val)

Gene: MRTFA (myocardin related transcription factor A; minus strand). Cytogenetic location: 22q13.1.
Variant type: single nucleotide variant.
Coding change: c.2125A>G on transcript NM_020831.6 (MANE Select); coding-DNA position 2125, A replaced by G.
Protein change: p.Ile709Val; replaces isoleucine 709 with valine.
Molecular consequence: missense variant.
Genome position (GRCh38, 1-based): chr22:40,418,613, T>C on the plus strand (A>G on the coding strand, the complement: MRTFA is on the minus strand). VCF-style: chr22-40418613-T-C. GRCh37 (hg19) VCF-style: chr22-40814617-T-C.
Other names: c.1825A>G, p.Ile609Val (NM_001282660.2); c.1975A>G, p.Ile659Val (NM_001282661.3); c.2125A>G, p.Ile709Val (NM_001282662.3); c.1930A>G, p.Ile644Val (NM_001318139.2); short protein forms I644V, I659V, I609V, I709V.
Identifiers: ClinVar variation 2721115 (VCV002721115.3), dbSNP rs2052744742, ClinGen allele CA411658258.